The following is an entry in ClinVar:

NM_001048174.2(MUTYH):c.1540C>A (p.His514Asn)

Gene: MUTYH (mutY DNA glycosylase; minus strand). Cytogenetic location: 1p34.1.
Variant type: single nucleotide variant.
Coding change: c.1540C>A on transcript NM_001048174.2 (MANE Select); coding-DNA position 1540, C replaced by A.
Protein change: p.His514Asn; replaces histidine 514 with asparagine.
Molecular consequence: missense variant. On other transcripts: non-coding transcript variant (7).
Genome position (GRCh38, 1-based): chr1:45,329,332, G>T on the plus strand (C>A on the coding strand, the complement: MUTYH is on the minus strand). VCF-style: chr1-45329332-G-T. GRCh37 (hg19) VCF-style: chr1-45795004-G-T.
Other names: c.1573C>A, p.His525Asn (NM_001407069.1, NM_001407077.1, NM_001293191.2); c.1540C>A, p.His514Asn (NM_001407070.1, NM_001407072.1, NM_001407073.1 and 6 more transcripts); c.1543C>A, p.His515Asn (NM_001407071.1, NM_001407078.1, NM_001048172.2 and 1 more transcripts); c.1456C>A, p.His486Asn (NM_001407075.1); c.1501C>A, p.His501Asn (NM_001407079.1); c.1615C>A, p.His539Asn (NM_012222.3); c.1624C>A, p.His542Asn (NM_001128425.2); c.1585C>A, p.His529Asn (NM_001293190.2); and 5 more; short protein forms H422N, H501N, H514N, H521N, H525N, H528N, H542N, H399N.
Identifiers: ClinVar variation 3658964 (VCV003658964.3).

ClinVar aggregate classification (germline): Uncertain significance. Review status: criteria provided, multiple submitters, no conflicts (2 of 4 stars). 2 submissions from 2 submitters: Uncertain significance (2). Last evaluated 2025-08-27.

Conditions:
Hereditary cancer-predisposing syndrome. Also called: Neoplastic Syndromes, Hereditary; Tumor predisposition; Hereditary Cancer Syndrome; Hereditary neoplastic syndrome. Identifiers: Orphanet 140162, MedGen C0027672, MeSH D009386, MONDO:0015356.
Familial adenomatous polyposis 2. Also called: FAP type 2; COLORECTAL ADENOMATOUS POLYPOSIS, AUTOSOMAL RECESSIVE; ADENOMAS, MULTIPLE COLORECTAL, AUTOSOMAL RECESSIVE; MYH-associated polyposis; Adenomas, multiple colorectal; MUTYH-associated polyposis. Identifiers: Orphanet 220460, Orphanet 247798, MedGen C3272841, MONDO:0012041, OMIM 608456.

Submissions (2):

Ambry Genetics
Classification: Uncertain significance for Hereditary cancer-predisposing syndrome. Last evaluated: 2025-08-27. Review status: criteria provided, single submitter. Criteria: Ambry Variant Classification Scheme 2023. Collection method: clinical testing. Allele origin: germline.
Comment: The p.H542N variant (also known as c.1624C>A), located in coding exon 16 of the MUTYH gene, results from a C to A substitution at nucleotide position 1624. The histidine at codon 542 is replaced by asparagine, an amino acid with similar properties. This amino acid position is conserved. In addition, this alteration is predicted to be tolerated by in silico analysis. Based on the available evidence, the clinical significance of this variant remains unclear.

Labcorp Genetics (formerly Invitae), Labcorp
Classification: Uncertain significance for Familial adenomatous polyposis 2. Last evaluated: 2024-07-08. Review status: criteria provided, single submitter. Criteria: Invitae Variant Classification Sherloc (09022015). Collection method: clinical testing. Allele origin: germline.
Comment: This sequence change replaces histidine, which is basic and polar, with asparagine, which is neutral and polar, at codon 542 of the MUTYH protein (p.His542Asn). This variant is not present in population databases (gnomAD no frequency). This variant has not been reported in the literature in individuals affected with MUTYH-related conditions. An algorithm developed to predict the effect of missense changes on protein structure and function (PolyPhen-2) suggests that this variant is likely to be tolerated. In summary, the available evidence is currently insufficient to determine the role of this variant in disease. Therefore, it has been classified as a Variant of Uncertain Significance.